The following is an entry in ClinVar:

ClinVar aggregate classification (germline): Benign (0 of 4 stars; one submission).

Conditions:
CFAP43-related disorder. Also called: CFAP43-related condition.

Allele frequency attached by ClinVar (database versions not stated): 1000 Genomes Project 0.00639; 1000 Genomes Project 30x 0.00750; TOPMed 0.01625; gnomAD 0.01669; ExAC 0.01864; ESP Exome Variant Server 0.01931; gnomAD exomes 0.02526.
gnomAD v4.1: 39,327 of 1,611,616 alleles (2.4%); highest among the groups gnomAD compares: Non-Finnish European, 2.9%; 616 homozygotes.

Submission:

PreventionGenetics, part of Exact Sciences
Classification: Benign for CFAP43-related condition. Last evaluated: 2019-07-10. Review status: no assertion criteria provided. Collection method: clinical testing. Allele origin: germline.
Comment: This variant is classified as benign based on ACMG/AMP sequence variant interpretation guidelines (Richards et al. 2015 PMID: 25741868, with internal and published modifications).

NM_025145.7(CFAP43):c.4299G>A (p.Gln1433=)

Gene: CFAP43 (cilia and flagella associated protein 43; minus strand). Cytogenetic location: 10q25.1.
Variant type: single nucleotide variant.
Coding change: c.4299G>A on transcript NM_025145.7 (MANE Select); coding-DNA position 4299, G replaced by A.
Protein change: p.Gln1433=; no amino-acid change (glutamine 1433 retained).
Molecular consequence: synonymous variant.
Genome position (GRCh38, 1-based): chr10:104,140,974, C>T on the plus strand (G>A on the coding strand, the complement: CFAP43 is on the minus strand). VCF-style: chr10-104140974-C-T. GRCh37 (hg19) VCF-style: chr10-105900732-C-T.
Identifiers: ClinVar variation 3056592 (VCV003056592.2), dbSNP rs45618238, ClinGen allele CA5680031.